The following is an entry in ClinVar:

ClinVar aggregate classification (germline): Uncertain significance. Review status: criteria provided, multiple submitters, no conflicts (2 of 4 stars). 2 submissions from 2 submitters: Uncertain significance (2). Last evaluated 2023-10-03.

Conditions:
Inborn genetic diseases. Identifiers: MedGen C0950123, MeSH D030342.
Muscular dystrophy-dystroglycanopathy (congenital with brain and eye anomalies), type A9. Also called: WALKER-WARBURG SYNDROME OR MUSCLE-EYE BRAIN DISEASE, DAG1-RELATED; Muscular dystrophy-dystroglycanopathy (congenital with brain and eye anomalies), type a, 9. Identifiers: Orphanet 370997, Orphanet 899, MedGen C4225291, MONDO:0014683, OMIM 616538.
Autosomal recessive limb-girdle muscular dystrophy type 2P. Also called: Limb-Girdle Muscular Dystrophy Type 9C; MUSCULAR DYSTROPHY-DYSTROGLYCANOPATHY, LIMB-GIRDLE, DAG1-RELATED; MUSCULAR DYSTROPHY, LIMB-GIRDLE, TYPE 2P. Identifiers: Orphanet 280333, MedGen C4511963, MONDO:0013440, OMIM 613818.

Allele frequency attached by ClinVar (database versions not stated): gnomAD exomes 0.00001 and 0.00002; ExAC 0.00002; gnomAD 0.00002; TOPMed 0.00002.
gnomAD v4.1: 16 of 1,613,974 alleles (0.00099%); highest among the groups gnomAD compares: East Asian, 0.0089%; no homozygotes.

Submissions (2):

Labcorp Genetics (formerly Invitae), Labcorp
Classification: Uncertain significance for Autosomal recessive limb-girdle muscular dystrophy type 2P; Muscular dystrophy-dystroglycanopathy (congenital with brain and eye anomalies), type A9. Last evaluated: 2023-10-03. Review status: criteria provided, single submitter. Criteria: Invitae Variant Classification Sherloc (09022015). Collection method: clinical testing. Allele origin: germline.
Comment: This sequence change replaces asparagine, which is neutral and polar, with serine, which is neutral and polar, at codon 301 of the DAG1 protein (p.Asn301Ser). This variant is present in population databases (rs745559790, gnomAD 0.004%). This variant has not been reported in the literature in individuals affected with DAG1-related conditions. ClinVar contains an entry for this variant (Variation ID: 579120). Advanced modeling of protein sequence and biophysical properties (such as structural, functional, and spatial information, amino acid conservation, physicochemical variation, residue mobility, and thermodynamic stability) performed at Invitae indicates that this missense variant is not expected to disrupt DAG1 protein function. In summary, the available evidence is currently insufficient to determine the role of this variant in disease. Therefore, it has been classified as a Variant of Uncertain Significance.

Ambry Genetics
Classification: Uncertain significance for Inborn genetic diseases. Last evaluated: 2022-05-01. Review status: criteria provided, single submitter. Criteria: Ambry Variant Classification Scheme 2023. Collection method: clinical testing. Allele origin: germline.

NM_004393.6(DAG1):c.902A>G (p.Asn301Ser)

Gene: DAG1 (dystroglycan 1; plus strand). Cytogenetic location: 3p21.31.
Variant type: single nucleotide variant.
Coding change: c.902A>G on transcript NM_004393.6 (MANE Select); coding-DNA position 902, A replaced by G.
Protein change: p.Asn301Ser; replaces asparagine 301 with serine.
Molecular consequence: missense variant.
Genome position (GRCh38, 1-based): chr3:49,531,413, A>G. VCF-style: chr3-49531413-A-G. GRCh37 (hg19) VCF-style: chr3-49568846-A-G.
Other names: c.902A>G, p.Asn301Ser (NM_001165928.4, NM_001177634.3, NM_001177635.3 and 9 more transcripts); c.902A>G (NM_004393.4); short protein forms N301S.
Identifiers: ClinVar variation 579120 (VCV000579120.6), dbSNP rs745559790, ClinGen allele CA2398975.